The following is an entry in ClinVar:

ClinVar aggregate classification (germline): Likely benign. Review status: criteria provided, single submitter (1 of 4 stars). 2 submissions from 2 submitters: Likely benign (1). 1 of the submissions does not count toward it. Last evaluated 2022-07-03.

Conditions:
DARS2-related disorder. Also called: DARS2-related condition.

Allele frequency attached by ClinVar (database versions not stated): ExAC 0.00001; gnomAD 0.00001; TOPMed 0.00001; gnomAD exomes 0.00003; ESP Exome Variant Server 0.00008.
gnomAD v4.1: 42 of 1,613,938 alleles (0.0026%); highest among the groups gnomAD compares: Non-Finnish European, 0.0035%; no homozygotes.

Submissions (2):

Labcorp Genetics (formerly Invitae), Labcorp
Classification: Likely benign. Last evaluated: 2022-07-03. Review status: criteria provided, single submitter. Criteria: Invitae Variant Classification Sherloc (09022015). Collection method: clinical testing. Allele origin: germline.

PreventionGenetics, part of Exact Sciences
Classification: Likely benign for DARS2-related condition. Last evaluated: 2019-03-20. Review status: no assertion criteria provided. Collection method: clinical testing. Allele origin: germline. Not counted in ClinVar's aggregate classification.
Comment: This variant is classified as likely benign based on ACMG/AMP sequence variant interpretation guidelines (Richards et al. 2015 PMID: 25741868, with internal and published modifications).

NM_018122.5(DARS2):c.1380T>C (p.Ala460=)

Gene: DARS2 (aspartyl-tRNA synthetase 2, mitochondrial; plus strand). Cytogenetic location: 1q25.1.
Variant type: single nucleotide variant.
Coding change: c.1380T>C on transcript NM_018122.5 (MANE Select); coding-DNA position 1380, T replaced by C.
Protein change: p.Ala460=; no amino-acid change (alanine 460 retained).
Molecular consequence: synonymous variant.
Genome position (GRCh38, 1-based): chr1:173,853,384, T>C. VCF-style: chr1-173853384-T-C. GRCh37 (hg19) VCF-style: chr1-173822522-T-C.
Other names: c.1227T>C, p.Ala409= (NM_001365212.1); c.1380T>C (NM_018122.4).
Identifiers: ClinVar variation 1939399 (VCV001939399.7), dbSNP rs374131923, ClinGen allele CA1250415.